The following is an entry in ClinVar:

NM_003047.5(SLC9A1):c.226C>T (p.His76Tyr)

Gene: SLC9A1 (solute carrier family 9 member A1; minus strand). Cytogenetic location: 1p36.11.
Variant type: single nucleotide variant.
Coding change: c.226C>T on transcript NM_003047.5 (MANE Select); coding-DNA position 226, C replaced by T.
Protein change: p.His76Tyr; replaces histidine 76 with tyrosine.
Molecular consequence: missense variant. On other transcripts: non-coding transcript variant (1).
Genome position (GRCh38, 1-based): chr1:27,154,109, G>A on the plus strand (C>T on the coding strand, the complement: SLC9A1 is on the minus strand). VCF-style: chr1-27154109-G-A. GRCh37 (hg19) VCF-style: chr1-27480600-G-A.
Other names: p.His76Tyr; short protein forms H76Y.
Identifiers: ClinVar variation 806104 (VCV000806104.48), dbSNP rs141715004, ClinGen allele CA711385.

ClinVar aggregate classification (germline): Conflicting classifications of pathogenicity. Review status: criteria provided, conflicting classifications (1 of 4 stars). 3 submissions from 3 submitters: Uncertain significance (1); Likely benign (2). Last evaluated 2026-01-01.

Allele frequency attached by ClinVar (database versions not stated): 1000 Genomes Project 0.00020; 1000 Genomes Project 30x 0.00031; gnomAD 0.00084 and 0.00090; ESP Exome Variant Server 0.00085; ExAC 0.00087; TOPMed 0.00087; gnomAD exomes 0.00088 and 0.00111.
gnomAD v4.1: 1,733 of 1,614,162 alleles (0.11%); highest among the groups gnomAD compares: Admixed American, 0.15%; 4 homozygotes.

Submissions (3):

CeGaT Center for Human Genetics Tuebingen
Classification: Likely benign. Last evaluated: 2026-01-01. Review status: criteria provided, single submitter. Criteria: CeGaT Center For Human Genetics Tuebingen Variant Classification Criteria Version 2. Collection method: clinical testing. Allele origin: germline. Affected: yes. Observed: 2 variant alleles.
Comment: SLC9A1: BP4, BS2

Mayo Clinic Laboratories, Mayo Clinic
Classification: Likely benign. Last evaluated: 2025-03-31. Review status: criteria provided, single submitter. Criteria: ACMG Guidelines, 2015. Collection method: clinical testing. Allele origin: germline. Observed: 2 variant alleles.
Comment: BS2, BP4_moderate

Labcorp Genetics (formerly Invitae), Labcorp
Classification: Uncertain significance. Last evaluated: 2024-12-09. Review status: criteria provided, single submitter. Criteria: Invitae Variant Classification Sherloc (09022015). Collection method: clinical testing. Allele origin: germline.
Comment: This sequence change replaces histidine, which is basic and polar, with tyrosine, which is neutral and polar, at codon 76 of the SLC9A1 protein (p.His76Tyr). This variant is present in population databases (rs141715004, gnomAD 0.1%), and has an allele count higher than expected for a pathogenic variant. This variant has not been reported in the literature in individuals affected with SLC9A1-related conditions. ClinVar contains an entry for this variant (Variation ID: 806104). An algorithm developed to predict the effect of missense changes on protein structure and function (PolyPhen-2) suggests that this variant¬†is likely to be tolerated. In summary, the available evidence is currently insufficient to determine the role of this variant in disease. Therefore, it has been classified as a Variant of Uncertain Significance.